The following is an entry in ClinVar:

NM_020987.5(ANK3):c.12532G>T (p.Gly4178Ter)

Gene: ANK3 (ankyrin 3; minus strand). Cytogenetic location: 10q21.2.
Variant type: single nucleotide variant.
Coding change: c.12532G>T on transcript NM_020987.5 (MANE Select); coding-DNA position 12532, G replaced by T.
Protein change: p.Gly4178Ter; replaces glycine 4178 with a stop codon.
Molecular consequence: nonsense.
Genome position (GRCh38, 1-based): chr10:60,063,174, C>A on the plus strand (G>T on the coding strand, the complement: ANK3 is on the minus strand). VCF-style: chr10-60063174-C-A. GRCh37 (hg19) VCF-style: chr10-61822932-C-A.
Other names: c.2095G>T, p.Gly699Ter (NM_001149.4); c.4675G>T, p.Gly1559Ter (NM_001204403.2); c.4696G>T, p.Gly1566Ter (NM_001204404.2); c.4693G>T, p.Gly1565Ter (NM_001320874.2); short protein forms G1565*, G1566*, G4178*, G1559*, G699*.
Identifiers: ClinVar variation 4991010 (VCV004991010.1).

ClinVar aggregate classification (germline): Uncertain significance (1 of 4 stars; one submission).

Conditions:
ANK3-related disorder. Also called: ANK3-related condition.

Submission:

PreventionGenetics, part of Exact Sciences
Classification: Uncertain significance for ANK3-related condition. Last evaluated: 2026-01-23. Review status: criteria provided, single submitter. Criteria: ACMG Guidelines, 2015. Collection method: clinical testing. Allele origin: germline.
Comment: The ANK3 c.12532G>T variant is predicted to result in premature protein termination (p.Gly4178*). To our knowledge, this variant has not been reported in the literature or in a large population database (gnomAD), indicating this variant is rare. Although we suspect that this variant may be pathogenic, at this time, the clinical significance of this variant is uncertain due to the absence of conclusive functional and genetic evidence.